The following is an entry in ClinVar:

ClinVar aggregate classification (germline): Uncertain significance. Review status: criteria provided, multiple submitters, no conflicts (2 of 4 stars). 2 submissions from 2 submitters: Uncertain significance (2). Last evaluated 2024-09-09.

Conditions:
Primary ciliary dyskinesia. Also called: Ciliary dyskinesia. Identifiers: Orphanet 244, MedGen C0008780, MONDO:0016575, HP:0012265.

Allele frequency attached by ClinVar (database versions not stated): gnomAD exomes 0.00002 and 0.00008; TOPMed 0.00002; gnomAD 0.00003; ExAC 0.00004; ESP Exome Variant Server 0.00008.

Submissions (2):

Ambry Genetics
Classification: Uncertain significance for Primary ciliary dyskinesia. Last evaluated: 2024-09-09. Review status: criteria provided, single submitter. Criteria: Ambry Variant Classification Scheme 2023. Collection method: clinical testing. Allele origin: germline.

Labcorp Genetics (formerly Invitae), Labcorp
Classification: Uncertain significance for Primary ciliary dyskinesia. Last evaluated: 2019-10-14. Review status: criteria provided, single submitter. Criteria: Invitae Variant Classification Sherloc (09022015). Collection method: clinical testing. Allele origin: germline.
Comment: Algorithms developed to predict the effect of missense changes on protein structure and function do not agree on the potential impact of this missense change (SIFT: "Deleterious"; PolyPhen-2: "Probably Damaging"; Align-GVGD: "Class C0"). This variant is present in population databases (rs372413434, ExAC 0.009%) but has not been reported in the literature in individuals with a DNAAF5-related disease. This sequence change replaces arginine with tryptophan at codon 403 of the DNAAF5 protein (p.Arg403Trp). The arginine residue is moderately conserved and there is a moderate physicochemical difference between arginine and tryptophan. In summary, this variant is a rare missense change with uncertain impact on protein function. There is no indication that it causes disease, but the available evidence is currently insufficient to prove that conclusively. Therefore, it has been classified as a Variant of Uncertain Significance.

NM_017802.4(DNAAF5):c.1207C>T (p.Arg403Trp)

Gene: DNAAF5 (dynein axonemal assembly factor 5; plus strand). Cytogenetic location: 7p22.3.
Variant type: single nucleotide variant.
Coding change: c.1207C>T on transcript NM_017802.4 (MANE Select); coding-DNA position 1207, C replaced by T.
Protein change: p.Arg403Trp; replaces arginine 403 with tryptophan.
Molecular consequence: missense variant. On other transcripts: non-coding transcript variant (1).
Genome position (GRCh38, 1-based): chr7:754,771, C>T. VCF-style: chr7-754771-C-T. GRCh37 (hg19) VCF-style: chr7-794408-C-T.
Other names: short protein forms R403W.
Identifiers: ClinVar variation 957491 (VCV000957491.9), dbSNP rs372413434, ClinGen allele CA4110631.